The following is an entry in ClinVar:

ClinVar aggregate classification (germline): Uncertain significance (1 of 4 stars; one submission).

Conditions:
Inborn genetic diseases. Identifiers: MedGen C0950123, MeSH D030342.

gnomAD v4.1: 2 of 1,613,604 alleles (0.00012%); highest among the groups gnomAD compares: African/African-American, 0.0027%; no homozygotes.

Submission:

Ambry Genetics
Classification: Uncertain significance for Inborn genetic diseases. Last evaluated: 2026-08-23. Review status: criteria provided, single submitter. Criteria: Ambry Variant Classification Scheme 2023. Collection method: clinical testing. Allele origin: germline.
Comment: The p.Q1480E variant (also known as c.4438C>G), located in coding exon 30 of the ANKRD26 gene, results from a C to G substitution at nucleotide position 4438. The glutamine at codon 1480 is replaced by glutamic acid, an amino acid with highly similar properties. This amino acid position is conserved. In addition, this alteration is predicted to be tolerated by in silico analysis. Based on the available evidence, the clinical significance of this variant remains unclear.

NM_014915.3(ANKRD26):c.4438C>G (p.Gln1480Glu)

Gene: ANKRD26 (ankyrin repeat domain 26; minus strand). Cytogenetic location: 10p12.1.
Variant type: single nucleotide variant.
Coding change: c.4438C>G on transcript NM_014915.3 (MANE Select); coding-DNA position 4438, C replaced by G.
Protein change: p.Gln1480Glu; replaces glutamine 1480 with glutamic acid.
Molecular consequence: missense variant.
Genome position (GRCh38, 1-based): chr10:27,017,570, G>C on the plus strand (C>G on the coding strand, the complement: ANKRD26 is on the minus strand). VCF-style: chr10-27017570-G-C. GRCh37 (hg19) VCF-style: chr10-27306499-G-C.
Other names: c.4435C>G, p.Gln1479Glu (NM_001256053.2); short protein forms Q1480E, Q1479E.
Identifiers: ClinVar variation 5023630 (VCV005023630.1).